The following is an entry in ClinVar:

ClinVar aggregate classification (germline): Uncertain significance (1 of 4 stars; one submission).

Submission:

GeneDx
Classification: Uncertain significance. Last evaluated: 2019-10-07. Review status: criteria provided, single submitter. Criteria: GeneDx Variant Classification Process June 2021. Collection method: clinical testing. Allele origin: germline. Affected: yes.
Comment: Has not been previously published as pathogenic or benign to our knowledge; Not observed in large population cohorts (Lek et al., 2016); In silico analysis, which includes protein predictors and evolutionary conservation, supports that this variant does not alter protein structure/function

NM_053025.4(MYLK):c.2435A>C (p.Gln812Pro)

Gene: MYLK (myosin light chain kinase; minus strand). Cytogenetic location: 3q21.1.
Variant type: single nucleotide variant.
Coding change: c.2435A>C on transcript NM_053025.4 (MANE Select); coding-DNA position 2435, A replaced by C.
Protein change: p.Gln812Pro; replaces glutamine 812 with proline.
Molecular consequence: missense variant.
Genome position (GRCh38, 1-based): chr3:123,701,465, T>G on the plus strand (A>C on the coding strand, the complement: MYLK is on the minus strand). VCF-style: chr3-123701465-T-G. GRCh37 (hg19) VCF-style: chr3-123420312-T-G.
Other names: c.1907A>C, p.Gln636Pro (NM_001321309.2); c.2228A>C, p.Gln743Pro (NM_053026.4, NM_053028.4); c.2435A>C, p.Gln812Pro (NM_053027.4); short protein forms Q636P, Q743P, Q812P.
Identifiers: ClinVar variation 1317104 (VCV001317104.2), dbSNP rs773724805, ClinGen allele CA354232675.